The following is an entry in ClinVar:

ClinVar aggregate classification (germline): Uncertain significance. Review status: criteria provided, multiple submitters, no conflicts (2 of 4 stars). 2 submissions from 2 submitters: Uncertain significance (2). Last evaluated 2025-04-12.

Conditions:
Brittle cornea syndrome 1 (BCS1). Also called: CORNEAL FRAGILITY, KERATOGLOBUS, BLUE SCLERAE, JOINT HYPEREXTENSIBILITY; EDS6B; FRAGILITAS OCULI WITH JOINT HYPEREXTENSIBILITY; Corneal fragility keratoglobus, blue sclerae AND joint hypermobility; DYSGENESIS MESODERMALIS CORNEAE ET SCLERAE. Identifiers: Orphanet 90354, MedGen C0268344, MONDO:0024543, OMIM 229200.
Cardiovascular phenotype. Identifiers: MedGen CN230736.

gnomAD v4.1: 2 of 1,546,906 alleles (0.00013%); highest among the groups gnomAD compares: Non-Finnish European, 0.000087%; no homozygotes.

Submissions (2):

Ambry Genetics
Classification: Uncertain significance for Cardiovascular phenotype. Last evaluated: 2025-04-12. Review status: criteria provided, single submitter. Criteria: Ambry Variant Classification Scheme 2023. Collection method: clinical testing. Allele origin: germline.
Comment: The p.A3554T variant (also known as c.10660G>A), located in coding exon 2 of the ZNF469 gene, results from a G to A substitution at nucleotide position 10660. The alanine at codon 3554 is replaced by threonine, an amino acid with similar properties. This amino acid position is conserved. In addition, this alteration is predicted to be tolerated by in silico analysis. Based on the available evidence, the clinical significance of this variant remains unclear.

Pittsburgh Clinical Genomics Laboratory, University of Pittsburgh Medical Center
Classification: Uncertain significance for Brittle cornea syndrome 1. Last evaluated: 2023-07-12. Review status: criteria provided, single submitter. Criteria: ACMG Guidelines, 2015. Collection method: clinical testing. Allele origin: germline. Inheritance: Autosomal recessive inheritance. Affected: yes.
Comment: This sequence variant is a single nucleotide substitution (G>A) at position 10660 of the coding sequence of the ZNF469 gene that results in an alanine to threonine amino acid change at residue 3554 of the ZNF469 protein. This variant is absent from ClinVar and has not been observed in the literature, to our knowledge. This variant is present in 1 of 151814 alleles (0.0007%) in the gnomAD population dataset. Multiple bioinformatic tools predict that this alanine to threonine amino acid change would be neutral, and the Ala3554 residue at this position is poorly conserved across the vertebrate species examined. Studies examining the functiol consequence of this variant have not been performed, to our knowledge. At this time, there is insufficient evidence to determine if this variant is pathogenic or benign. Therefore, we consider this a variant of uncertain significance. ACMG Criteria: BP1, PM2

NM_001367624.2(ZNF469):c.10744G>A (p.Ala3582Thr)

Gene: ZNF469 (zinc finger protein 469; plus strand). Cytogenetic location: 16q24.2.
Variant type: single nucleotide variant.
Coding change: c.10744G>A on transcript NM_001367624.2 (MANE Select); coding-DNA position 10744, G replaced by A.
Protein change: p.Ala3582Thr; replaces alanine 3582 with threonine.
Molecular consequence: missense variant.
Genome position (GRCh38, 1-based): chr16:88,438,214, G>A. VCF-style: chr16-88438214-G-A. GRCh37 (hg19) VCF-style: chr16-88504622-G-A.
Other names: NM_001127464.1:c.10660G>A; short protein forms A3582T.
Identifiers: ClinVar variation 3376306 (VCV003376306.2).
Genomic context (GRCh38, chr16:88,438,214, plus strand): 5'-TTGGCTGATGGCAGAGGAGACTGCGCGCTGGACGGAGCCCTGGAGAGGCCAGAGAACGAG[G>A]CTTCCCCAGGCAGCCCCGGGCCTCTTCTCCAGCAAGCTCTCCCTCTGGGGGCATCTCTGC-3'
Protein context (NP_001354553.1, residues 3572-3592): DGALERPENE[Ala3582Thr]SPGSPGPLLQ